The following is an entry in ClinVar:

ClinVar aggregate classification (germline): Likely pathogenic (1 of 4 stars; one submission).

Conditions:
Ataxia-telangiectasia syndrome (AT). Also called: Ataxia-telangiectasia, complementation group D; AT, COMPLEMENTATION GROUP C; ATAXIA-TELANGIECTASIA, COMPLEMENTATION GROUP A; ATAXIA-TELANGIECTASIA, FRESNO VARIANT; Ataxia-telangiectasia; LOUIS-BAR SYNDROME. Identifiers: Orphanet 100, MedGen C0004135, MONDO:0008840, OMIM 208900.

Submission:

Labcorp Genetics (formerly Invitae), Labcorp
Classification: Likely pathogenic for Ataxia-telangiectasia syndrome. Last evaluated: 2019-07-02. Review status: criteria provided, single submitter. Criteria: Invitae Variant Classification Sherloc (09022015). Collection method: clinical testing. Allele origin: germline.
Comment: Algorithms developed to predict the effect of sequence changes on RNA splicing suggest that this variant may disrupt the consensus splice site, but this prediction has not been confirmed by published transcriptional studies. This variant has not been reported in the literature in individuals with ATM-related disease. This variant is not present in population databases (ExAC no frequency). This sequence change affects an acceptor splice site in intron 44 of the ATM gene. It is expected to disrupt RNA splicing and likely results in an absent or disrupted protein product. In summary, the currently available evidence indicates that the variant is pathogenic, but additional data are needed to prove that conclusively. Therefore, this variant has been classified as Likely Pathogenic. Donor and acceptor splice site variants typically lead to a loss of protein function (PMID: 16199547), and loss-of-function variants in ATM are known to be pathogenic (PMID: 23807571, 25614872).

Literature cited by the submitters: PubMed 16199547; PubMed 23807571; PubMed 25614872.

NM_000051.4(ATM):c.6453-1G>A

Genes: ATM (ATM serine/threonine kinase; plus strand), C11orf65 (chromosome 11 open reading frame 65; minus strand). Cytogenetic location: 11q22.3.
Variant type: single nucleotide variant.
Coding change: c.6453-1G>A on transcript NM_000051.4 (MANE Select); the canonical splice acceptor site of the intron before coding-DNA position 6453, G replaced by A.
Molecular consequence: splice acceptor variant. On other transcripts: intron variant (2).
Genome position (GRCh38, 1-based): chr11:108,321,300, G>A. VCF-style: chr11-108321300-G-A. GRCh37 (hg19) VCF-style: chr11-108192027-G-A.
Other names: c.6453-1G>A (NM_001351834.2); c.641-12229C>T (NM_001330368.2); c.*39-12229C>T (NM_001351110.2).
Identifiers: ClinVar variation 665154 (VCV000665154.9), dbSNP rs1555117071, ClinGen allele CA382553802.